The following is an entry in ClinVar:

ClinVar aggregate classification (germline): Uncertain significance (1 of 4 stars; one submission).

Allele frequency attached by ClinVar (database versions not stated): gnomAD 0.00001; gnomAD exomes 0.00001; ExAC 0.00002.
gnomAD v4.1: 12 of 1,613,900 alleles (0.00074%); highest among the groups gnomAD compares: South Asian, 0.0099%; 1 homozygote.

Submission:

Labcorp Genetics (formerly Invitae), Labcorp
Classification: Uncertain significance. Last evaluated: 2024-08-30. Review status: criteria provided, single submitter. Criteria: Invitae Variant Classification Sherloc (09022015). Collection method: clinical testing. Allele origin: germline.
Comment: This sequence change replaces threonine, which is neutral and polar, with alanine, which is neutral and non-polar, at codon 120 of the KIAA1549 protein (p.Thr120Ala). This variant is present in population databases (rs751988712, gnomAD 0.01%). This missense change has been observed in individual(s) with retinitis pigmentosa (PMID: 32326409). ClinVar contains an entry for this variant (Variation ID: 1522905). An algorithm developed to predict the effect of missense changes on protein structure and function (PolyPhen-2) suggests that this variant is likely to be tolerated. In summary, the available evidence is currently insufficient to determine the role of this variant in disease. Therefore, it has been classified as a Variant of Uncertain Significance.

Literature cited by the submitters: PubMed 32326409.

NM_001164665.2(KIAA1549):c.358A>G (p.Thr120Ala)

Gene: KIAA1549 (KIAA1549; minus strand). Cytogenetic location: 7q34.
Variant type: single nucleotide variant.
Coding change: c.358A>G on transcript NM_001164665.2 (MANE Select); coding-DNA position 358, A replaced by G.
Protein change: p.Thr120Ala; replaces threonine 120 with alanine.
Molecular consequence: missense variant.
Genome position (GRCh38, 1-based): chr7:138,919,268, T>C on the plus strand (A>G on the coding strand, the complement: KIAA1549 is on the minus strand). VCF-style: chr7-138919268-T-C. GRCh37 (hg19) VCF-style: chr7-138604014-T-C.
Other names: c.358A>G, p.Thr120Ala (NM_020910.3); short protein forms T120A.
Identifiers: ClinVar variation 1522905 (VCV001522905.8), dbSNP rs751988712, ClinGen allele CA4506964.